The following is an entry in ClinVar:

NM_001354604.2(MITF):c.1202C>T (p.Ala401Val)

Gene: MITF (melanocyte inducing transcription factor; plus strand). Cytogenetic location: 3p13.
Variant type: single nucleotide variant.
Coding change: c.1202C>T on transcript NM_001354604.2 (MANE Select); coding-DNA position 1202, C replaced by T.
Protein change: p.Ala401Val; replaces alanine 401 with valine.
Molecular consequence: missense variant.
Genome position (GRCh38, 1-based): chr3:69,964,869, C>T. VCF-style: chr3-69964869-C-T. GRCh37 (hg19) VCF-style: chr3-70014020-C-T.
Other names: c.881C>T, p.Ala294Val (NM_000248.4); c.1028C>T, p.Ala343Val (NM_001184967.2, NM_001354608.2); c.1199C>T, p.Ala400Val (NM_001354605.2); c.1181C>T, p.Ala394Val (NM_001354606.2, NM_006722.3); c.1133C>T, p.Ala378Val (NM_001354607.2); c.1184C>T, p.Ala395Val (NM_198159.3); c.1136C>T, p.Ala379Val (NM_198177.3); c.863C>T, p.Ala288Val (NM_198158.3); and 2 more; short protein forms A294V, A395V, A288V, A394V, A232V, A343V, A378V, A379V.
Identifiers: ClinVar variation 506003 (VCV000506003.5), dbSNP rs1553706163, ClinGen allele CA353559351.
Genomic context (GRCh38, chr3:69,964,869, plus strand): 5'-CTGCCTATTTCAGTGTTTTATCTTTACTCTTATTATAGGAACTTGAAATGCAGGCTCGAG[C>T]TCATGGACTTTCCCTTATTCCATCCACGGGTCTCTGCTCTCCAGATTTGGTGAATCGGAT-3'
Protein context (NP_001341533.1, residues 391-411): RIQELEMQAR[Ala401Val]HGLSLIPSTG

ClinVar aggregate classification (germline): Uncertain significance. Review status: criteria provided, multiple submitters, no conflicts (2 of 4 stars). 2 submissions from 2 submitters: Uncertain significance (2). Last evaluated 2024-12-08.

Conditions:
Hereditary cancer-predisposing syndrome. Also called: Neoplastic Syndromes, Hereditary; Hereditary Cancer Syndrome; Tumor predisposition; Hereditary neoplastic syndrome. Identifiers: Orphanet 140162, MedGen C0027672, MeSH D009386, MONDO:0015356.

gnomAD v4.1: 1 of 1,614,086 alleles (0.000062%); highest among the groups gnomAD compares: Non-Finnish European, 0.000085%; no homozygotes.

Submissions (2):

Ambry Genetics
Classification: Uncertain significance for Hereditary cancer-predisposing syndrome. Last evaluated: 2024-12-08. Review status: criteria provided, single submitter. Criteria: Ambry Variant Classification Scheme 2023. Collection method: clinical testing. Allele origin: germline.
Comment: The p.A294V variant (also known as c.881C>T), located in coding exon 9 of the MITF gene, results from a C to T substitution at nucleotide position 881. The alanine at codon 294 is replaced by valine, an amino acid with similar properties. This amino acid position is conserved. In addition, the in silico prediction for this alteration is inconclusive. Based on the available evidence, the clinical significance of this variant remains unclear.

Laboratory for Molecular Medicine, Mass General Brigham Personalized Medicine
Classification: Uncertain significance. Last evaluated: 2017-08-17. Review status: criteria provided, single submitter. Criteria: LMM Criteria. Collection method: clinical testing. Allele origin: germline. Observed: 1 variant allele.
Comment: The p.Ala395Val variant in MITF has not been previously reported in individuals with hearing loss or Waardenburg syndrome, or in large population studies. Compu tational prediction tools and conservation analyses do not provide strong suppor t for or against an impact to the protein. In summary, the clinical significance of the p.Ala395Val variant is uncertain.